The following is an entry in ClinVar:

ClinVar aggregate classification (germline): Uncertain significance (1 of 4 stars; one submission).

Submission:

Ambry Genetics
Classification: Uncertain significance. Last evaluated: 2025-02-28. Review status: criteria provided, single submitter. Criteria: Ambry Variant Classification Scheme 2023. Collection method: clinical testing. Allele origin: germline.
Comment: The p.K584E variant (also known as c.1750A>G), located in coding exon 1 of the MLH3 gene, results from an A to G substitution at nucleotide position 1750. The lysine at codon 584 is replaced by glutamic acid, an amino acid with similar properties. This amino acid position is conserved. In addition, this alteration is predicted to be tolerated by in silico analysis. Based on the available evidence, the clinical significance of this variant remains unclear.

NM_001040108.2(MLH3):c.1750A>G (p.Lys584Glu)

Gene: MLH3 (mutL homolog 3; minus strand). Cytogenetic location: 14q24.3.
Variant type: single nucleotide variant.
Coding change: c.1750A>G on transcript NM_001040108.2 (MANE Select); coding-DNA position 1750, A replaced by G.
Protein change: p.Lys584Glu; replaces lysine 584 with glutamic acid.
Molecular consequence: missense variant.
Genome position (GRCh38, 1-based): chr14:75,047,906, T>C on the plus strand (A>G on the coding strand, the complement: MLH3 is on the minus strand). VCF-style: chr14-75047906-T-C. GRCh37 (hg19) VCF-style: chr14-75514609-T-C.
Other names: c.1750A>G, p.Lys584Glu (NM_014381.3); short protein forms K584E.
Identifiers: ClinVar variation 3873535 (VCV003873535.1).